The following is an entry in ClinVar:

NM_022124.6(CDH23):c.7712T>C (p.Leu2571Pro)

Gene: CDH23 (cadherin related 23; plus strand). Cytogenetic location: 10q22.1.
Variant type: single nucleotide variant.
Coding change: c.7712T>C on transcript NM_022124.6 (MANE Select); coding-DNA position 7712, T replaced by C.
Protein change: p.Leu2571Pro; replaces leucine 2571 with proline.
Molecular consequence: missense variant.
Genome position (GRCh38, 1-based): chr10:71,803,260, T>C. VCF-style: chr10-71803260-T-C. GRCh37 (hg19) VCF-style: chr10-73563017-T-C.
Other names: c.992T>C, p.Leu331Pro (NM_001171933.1, NM_001171934.1); short protein forms L2571P, L331P.
Identifiers: ClinVar variation 2431360 (VCV002431360.1), dbSNP rs1841611081, ClinGen allele CA377161181.
Genomic context (GRCh38, chr10:71,803,260, plus strand): 5'-CACTGCCAGAGGCCTTCCATGTGGACATGGACTCGGGCTTGGTGACCACACAGCGGCCAC[T>C]GCAGTCCTACGAGAAGTTCAGTCTGACCGTGGTGGCCACAGATGGTGGAGAGCCCCCACT-3'
Protein context (NP_071407.4, residues 2561-2581): DSGLVTTQRP[Leu2571Pro]QSYEKFSLTV

ClinVar aggregate classification (germline): Uncertain significance (1 of 4 stars; one submission).

Conditions:
Autosomal recessive nonsyndromic hearing loss 12. Also called: DEAFNESS, AUTOSOMAL RECESSIVE 12. Identifiers: Orphanet 90636, MedGen C1832394, MONDO:0011067, OMIM 601386.

Submission:

Laboratorio de Genetica e Diagnostico Molecular, Hospital Israelita Albert Einstein
Classification: Uncertain significance for Autosomal recessive nonsyndromic hearing loss 12. Last evaluated: 2022-07-06. Review status: criteria provided, single submitter. Criteria: ACMG Guidelines, 2015. Collection method: clinical testing. Allele origin: germline. Affected: yes. Observed: 1 variant allele.
Comment: ACMG classification criteria: PM2 moderated, PP3 supporting